The following is an entry in ClinVar:

NM_002734.5(PRKAR1A):c.98A>G (p.Asp33Gly)

Gene: PRKAR1A (protein kinase cAMP-dependent type I regulatory subunit alpha; plus strand). Cytogenetic location: 17q24.2.
Variant type: single nucleotide variant.
Coding change: c.98A>G on transcript NM_002734.5 (MANE Select); coding-DNA position 98, A replaced by G.
Protein change: p.Asp33Gly; replaces aspartic acid 33 with glycine.
Molecular consequence: missense variant.
Genome position (GRCh38, 1-based): chr17:68,515,497, A>G. VCF-style: chr17-68515497-A-G. GRCh37 (hg19) VCF-style: chr17-66511638-A-G.
Other names: c.98A>G, p.Asp33Gly (NM_001276289.2, NM_001276290.1, NM_001278433.2 and 4 more transcripts); c.98A>G (NM_002734.3); short protein forms D33G.
Identifiers: ClinVar variation 1472792 (VCV001472792.7), dbSNP rs2085404026, ClinGen allele CA400751963.

ClinVar aggregate classification (germline): Uncertain significance. Review status: criteria provided, multiple submitters, no conflicts (2 of 4 stars). 2 submissions from 2 submitters: Uncertain significance (2). Last evaluated 2025-05-15.

Conditions:
Hereditary cancer-predisposing syndrome. Also called: Neoplastic Syndromes, Hereditary; Hereditary Cancer Syndrome; Tumor predisposition; Hereditary neoplastic syndrome. Identifiers: Orphanet 140162, MedGen C0027672, MeSH D009386, MONDO:0015356.
Carney complex, type 1 (CNC1). Also called: CARNEY COMPLEX, TYPE I; CARNEY MYXOMA-ENDOCRINE COMPLEX. Identifiers: Orphanet 1359, MedGen C2607929, MONDO:0008057, OMIM 160980.

Allele frequency attached by ClinVar (database versions not stated): gnomAD exomes below 0.00001; TOPMed below 0.00001; gnomAD 0.00001.
gnomAD v4.1: 7 of 1,613,310 alleles (0.00043%); highest among the groups gnomAD compares: Non-Finnish European, 0.00059%; no homozygotes.

Submissions (2):

Ambry Genetics
Classification: Uncertain significance for Hereditary cancer-predisposing syndrome. Last evaluated: 2025-05-15. Review status: criteria provided, single submitter. Criteria: Ambry Variant Classification Scheme 2023. Collection method: clinical testing. Allele origin: germline.
Comment: The p.D33G variant (also known as c.98A>G), located in coding exon 1 of the PRKAR1A gene, results from an A to G substitution at nucleotide position 98. The aspartic acid at codon 33 is replaced by glycine, an amino acid with similar properties. This amino acid position is well conserved in available vertebrate species. In addition, the in silico prediction for this alteration is inconclusive. Based on the available evidence, the clinical significance of this variant remains unclear.

Labcorp Genetics (formerly Invitae), Labcorp
Classification: Uncertain significance for Carney complex, type 1. Last evaluated: 2025-05-05. Review status: criteria provided, single submitter. Criteria: Invitae Variant Classification Sherloc (09022015). Collection method: clinical testing. Allele origin: germline.
Comment: This sequence change replaces aspartic acid, which is acidic and polar, with glycine, which is neutral and non-polar, at codon 33 of the PRKAR1A protein (p.Asp33Gly). This variant is not present in population databases (gnomAD no frequency). This variant has not been reported in the literature in individuals affected with PRKAR1A-related conditions. ClinVar contains an entry for this variant (Variation ID: 1472792). Invitae Evidence Modeling of protein sequence and biophysical properties (such as structural, functional, and spatial information, amino acid conservation, physicochemical variation, residue mobility, and thermodynamic stability) has been performed for this missense variant. However, the output from this modeling did not meet the statistical confidence thresholds required to predict the impact of this variant on PRKAR1A protein function. In summary, the available evidence is currently insufficient to determine the role of this variant in disease. Therefore, it has been classified as a Variant of Uncertain Significance.